The following is an entry in ClinVar:

NM_004054.4(C3AR1):c.226C>G (p.Pro76Ala)

Gene: C3AR1 (complement C3a receptor 1; minus strand). Cytogenetic location: 12p13.31.
Variant type: single nucleotide variant.
Coding change: c.226C>G on transcript NM_004054.4 (MANE Select); coding-DNA position 226, C replaced by G.
Protein change: p.Pro76Ala; replaces proline 76 with alanine.
Molecular consequence: missense variant.
Genome position (GRCh38, 1-based): chr12:8,059,960, G>C on the plus strand (C>G on the coding strand, the complement: C3AR1 is on the minus strand). VCF-style: chr12-8059960-G-C. GRCh37 (hg19) VCF-style: chr12-8212556-G-C.
Other names: c.226C>G (NM_004054.2); c.226C>G, p.Pro76Ala (NM_001326475.2, NM_001326477.2); short protein forms P76A.
Identifiers: ClinVar variation 3054881 (VCV003054881.4), dbSNP rs201626033, ClinGen allele CA6432058.

ClinVar aggregate classification (germline): Uncertain significance. Review status: criteria provided, multiple submitters, no conflicts (2 of 4 stars). 3 submissions from 3 submitters: Uncertain significance (2). 1 of the submissions does not count toward it. Last evaluated 2024-04-11.

Conditions:
C3AR1-related disorder. Also called: C3AR1-related condition.

Allele frequency attached by ClinVar (database versions not stated): TOPMed 0.00007; ESP Exome Variant Server 0.00008; ExAC 0.00012; gnomAD 0.00015.
gnomAD v4.1: 103 of 1,614,062 alleles (0.0064%); highest among the groups gnomAD compares: Admixed American, 0.012%; 1 homozygote.

Submissions (3):

Blueprint Genetics
Classification: Uncertain significance. Last evaluated: 2024-04-11. Review status: criteria provided, single submitter. Criteria: ACMG Guidelines, 2015. Collection method: clinical testing. Allele origin: germline.

Ambry Genetics
Classification: Uncertain significance. Last evaluated: 2024-01-16. Review status: criteria provided, single submitter. Criteria: Ambry Variant Classification Scheme 2023. Collection method: clinical testing. Allele origin: germline.

PreventionGenetics, part of Exact Sciences
Classification: Uncertain significance for C3AR1-related condition. Last evaluated: 2024-02-18. Review status: no assertion criteria provided. Collection method: clinical testing. Allele origin: germline. Not counted in ClinVar's aggregate classification.
Comment: The C3AR1 c.226C>G variant is predicted to result in the amino acid substitution p.Pro76Ala. To our knowledge, this variant has not been reported in the literature. This variant is reported in 0.026% of alleles in individuals of European (Non-Finnish) descent in gnomAD. At this time, the clinical significance of this variant is uncertain due to the absence of conclusive functional and genetic evidence.